The following is an entry in ClinVar:

NM_001098511.3(KIF2A):c.1705C>T (p.Arg569Cys)

Gene: KIF2A (kinesin family member 2A; plus strand). Cytogenetic location: 5q12.1.
Variant type: single nucleotide variant.
Coding change: c.1705C>T on transcript NM_001098511.3 (MANE Select); coding-DNA position 1705, C replaced by T.
Protein change: p.Arg569Cys; replaces arginine 569 with cysteine.
Molecular consequence: missense variant. On other transcripts: intron variant (3).
Genome position (GRCh38, 1-based): chr5:62,372,496, C>T. VCF-style: chr5-62372496-C-T. GRCh37 (hg19) VCF-style: chr5-61668323-C-T.
Other names: c.1566-1191C>T (NM_001243952.2); c.1647-1191C>T (NM_004520.5); c.1590-1191C>T (NM_001243953.2); short protein forms R569C.
Identifiers: ClinVar variation 1389391 (VCV001389391.8), dbSNP rs969295324, ClinGen allele CA120082665.
Genomic context (GRCh38, chr5:62,372,496, plus strand): 5'-AGAGTAAAGGAGTTTGGAATTAGTCCATCAGACATTCCCTTCTCACAGGGTAGTGGCAGT[C>T]GCCCTGATCTCTCTCCTTCTTATGAATATGACGACTTTTCTCCTTCAGTTACCAGGTCTA-3'
Protein context (NP_001091981.1, residues 559-579): DIPFSQGSGS[Arg569Cys]PDLSPSYEYD

ClinVar aggregate classification (germline): Uncertain significance (1 of 4 stars; one submission).

Allele frequency attached by ClinVar (database versions not stated): gnomAD exomes below 0.00001; gnomAD 0.00001; TOPMed 0.00001.
gnomAD v4.1: 5 of 1,612,968 alleles (0.00031%); highest among the groups gnomAD compares: East Asian, 0.0022%; no homozygotes.

Submission:

Labcorp Genetics (formerly Invitae), Labcorp
Classification: Uncertain significance. Last evaluated: 2021-04-27. Review status: criteria provided, single submitter. Criteria: Invitae Variant Classification Sherloc (09022015). Collection method: clinical testing. Allele origin: germline.
Comment: In summary, the available evidence is currently insufficient to determine the role of this variant in disease. Therefore, it has been classified as a Variant of Uncertain Significance. Algorithms developed to predict the effect of missense changes on protein structure and function are either unavailable or do not agree on the potential impact of this missense change (SIFT: "Deleterious"; PolyPhen-2: "Possibly Damaging"; Align-GVGD: "Class C0"). This variant has not been reported in the literature in individuals with KIF2A-related conditions. This variant is not present in population databases (ExAC no frequency). This sequence change replaces arginine with cysteine at codon 569 of the KIF2A protein (p.Arg569Cys). The arginine residue is weakly conserved and there is a large physicochemical difference between arginine and cysteine.